The following is an entry in ClinVar:

NM_021930.6(RINT1):c.335A>T (p.Glu112Val)

Gene: RINT1 (RAD50 interactor 1; plus strand). Cytogenetic location: 7q22.3.
Variant type: single nucleotide variant.
Coding change: c.335A>T on transcript NM_021930.6 (MANE Select); coding-DNA position 335, A replaced by T.
Protein change: p.Glu112Val; replaces glutamic acid 112 with valine.
Molecular consequence: missense variant. On other transcripts: 5 prime UTR variant (3), non-coding transcript variant (1).
Genome position (GRCh38, 1-based): chr7:105,542,469, A>T. VCF-style: chr7-105542469-A-T. GRCh37 (hg19) VCF-style: chr7-105182916-A-T.
Other names: c.101A>T, p.Glu34Val (NM_001346599.2); c.-685A>T (NM_001346600.2); c.-588A>T (NM_001346601.2); c.-208A>T (NM_001346603.2); short protein forms E112V, E34V.
Identifiers: ClinVar variation 1010900 (VCV001010900.9), dbSNP rs757982808, ClinGen allele CA4426404.

ClinVar aggregate classification (germline): Uncertain significance. Review status: criteria provided, multiple submitters, no conflicts (2 of 4 stars). 2 submissions from 2 submitters: Uncertain significance (2). Last evaluated 2024-03-19.

Allele frequency attached by ClinVar (database versions not stated): gnomAD exomes below 0.00001; ExAC 0.00001.
gnomAD v4.1: 2 of 1,613,884 alleles (0.00012%); highest among the groups gnomAD compares: Non-Finnish European, 0.00017%; no homozygotes.

Submissions (2):

Ambry Genetics
Classification: Uncertain significance. Last evaluated: 2024-03-19. Review status: criteria provided, single submitter. Criteria: Ambry Variant Classification Scheme 2023. Collection method: clinical testing. Allele origin: germline.
Comment: The p.E112V variant (also known as c.335A>T), located in coding exon 4 of the RINT1 gene, results from an A to T substitution at nucleotide position 335. The glutamic acid at codon 112 is replaced by valine, an amino acid with dissimilar properties. This amino acid position is conserved. In addition, this alteration is predicted to be tolerated by in silico analysis. Since supporting evidence is limited at this time, the clinical significance of this alteration remains unclear.

Labcorp Genetics (formerly Invitae), Labcorp
Classification: Uncertain significance. Last evaluated: 2021-09-10. Review status: criteria provided, single submitter. Criteria: Invitae Variant Classification Sherloc (09022015). Collection method: clinical testing. Allele origin: germline.
Comment: Algorithms developed to predict the effect of missense changes on protein structure and function are either unavailable or do not agree on the potential impact of this missense change (SIFT: "Deleterious"; PolyPhen-2: "Benign"; Align-GVGD: "Class C25"). This sequence change replaces glutamic acid with valine at codon 112 of the RINT1 protein (p.Glu112Val). The glutamic acid residue is moderately conserved and there is a moderate physicochemical difference between glutamic acid and valine. This variant is present in population databases (rs757982808, ExAC 0.001%). This variant has not been reported in the literature in individuals affected with RINT1-related conditions. In summary, the available evidence is currently insufficient to determine the role of this variant in disease. Therefore, it has been classified as a Variant of Uncertain Significance.